The following continues an entry in ClinVar:

NC_012920.1(MT-ND1):m.3460G>A

Gene: MT-ND1. ClinVar aggregate classification (germline): Pathogenic. Pathogenic (1).

Submissions 10 to 16 of 16:

ARUP Laboratories, Molecular Genetics and Genomics, ARUP Laboratories
Classification: Pathogenic. Last evaluated: 2017-11-22. Review status: criteria provided, single submitter. Criteria: ARUP Molecular Germline Variant Investigation Process. Collection method: clinical testing. Allele origin: germline. Not counted in ClinVar's aggregate classification.
Comment: m.3460G>A is one of a small number of primary variants which are causative of Leber hereditary optic neuropathy (LHON; MIM: 535000; Howell 1992). It is estimated that 15%-25% of LHON families carry the g.3460G>A variant (Howell 1991).

Institute of Human Genetics, Univ. Regensburg, Univ. Regensburg
Classification: Pathogenic for Optic atrophy. Last evaluated: 2018-01-01. Review status: no assertion criteria provided. Criteria: ACMG Guidelines, 2015. Collection method: clinical testing. Allele origin: germline. Affected: yes. Not counted in ClinVar's aggregate classification.

OMIM
Classification: Pathogenic for LEBER OPTIC ATROPHY. Last evaluated: 2007-07-10. Review status: no assertion criteria provided. Collection method: literature only. Allele origin: germline. Not counted in ClinVar's aggregate classification.

OMIM
Classification: Pathogenic for MITOCHONDRIAL COMPLEX I DEFICIENCY, MITOCHONDRIAL TYPE 3. Last evaluated: 2007-07-10. Review status: no assertion criteria provided. Collection method: literature only. Allele origin: germline. Not counted in ClinVar's aggregate classification.

GeneReviews
No classification provided. Condition: Leber optic atrophy. Review status: no classification provided. Collection method: literature only. Allele origin: maternal. Not counted in ClinVar's aggregate classification.
Comment: This variant is one of the three most common causes of LHON.

GeneReviews
No classification provided. Condition: Leigh syndrome. Review status: no classification provided. Collection method: literature only. Allele origin: germline. Not counted in ClinVar's aggregate classification.

Genomics England Pilot Project, Genomics England
Classification: Pathogenic for Leber optic atrophy. Review status: no assertion criteria provided. Criteria: ACGS Guidelines, 2016. Collection method: clinical testing. Allele origin: germline. Affected: yes. Not counted in ClinVar's aggregate classification.

Literature cited by the submitters: PubMed 35383288 (cited by 3 submitters); PubMed 10976107 (cited by ClinGen Mitochondrial Disease Nuclear and Mitochondrial  Variant Curation Expert Panel, ClinGen and OLLIN Analises Genomicas, OLLIN); PubMed 22079202 (cited by ClinGen Mitochondrial Disease Nuclear and Mitochondrial  Variant Curation Expert Panel, ClinGen and OLLIN Analises Genomicas, OLLIN); PubMed 15720387 (cited by ClinGen Mitochondrial Disease Nuclear and Mitochondrial  Variant Curation Expert Panel, ClinGen and OLLIN Analises Genomicas, OLLIN); PubMed 15883259 (cited by ClinGen Mitochondrial Disease Nuclear and Mitochondrial  Variant Curation Expert Panel, ClinGen and OLLIN Analises Genomicas, OLLIN); PubMed 15342361 (cited by ClinGen Mitochondrial Disease Nuclear and Mitochondrial  Variant Curation Expert Panel, ClinGen and OLLIN Analises Genomicas, OLLIN); PubMed 1928099 (cited by 3 submitters); PubMed 1674640 (cited by OLLIN Analises Genomicas, OLLIN and OMIM); PubMed 7629530 (cited by OLLIN Analises Genomicas, OLLIN); PubMed 1734726 (cited by OLLIN Analises Genomicas, OLLIN and OMIM); PubMed 1550131 (cited by OLLIN Analises Genomicas, OLLIN and OMIM); PubMed 8496715 (cited by OLLIN Analises Genomicas, OLLIN and OMIM); PubMed 8024249 (cited by OLLIN Analises Genomicas, OLLIN); PubMed 8556281 (cited by OLLIN Analises Genomicas, OLLIN); PubMed 8571959 (cited by OLLIN Analises Genomicas, OLLIN); PubMed 12205655 (cited by OLLIN Analises Genomicas, OLLIN); PubMed 11906302 (cited by OLLIN Analises Genomicas, OLLIN); PubMed 12807863 (cited by OLLIN Analises Genomicas, OLLIN); PubMed 12518276 (cited by OLLIN Analises Genomicas, OLLIN); PubMed 16738010 (cited by OLLIN Analises Genomicas, OLLIN and OMIM); PubMed 17122117 (cited by OLLIN Analises Genomicas, OLLIN); PubMed 18216301 (cited by OLLIN Analises Genomicas, OLLIN); PubMed 18562849 (cited by OLLIN Analises Genomicas, OLLIN); PubMed 20232220 (cited by OLLIN Analises Genomicas, OLLIN); PubMed 21887510 (cited by OLLIN Analises Genomicas, OLLIN); PubMed 25338955 (cited by OLLIN Analises Genomicas, OLLIN); PubMed 25053773 (cited by OLLIN Analises Genomicas, OLLIN); PubMed 28314831 (cited by OLLIN Analises Genomicas, OLLIN); PubMed 30053855 (cited by OLLIN Analises Genomicas, OLLIN); PubMed 30591017 (cited by OLLIN Analises Genomicas, OLLIN); PubMed 20301353 (cited by OLLIN Analises Genomicas, OLLIN and GeneReviews); PubMed 1959619 (cited by 3billion and OMIM); PubMed 32355048 (cited by 3billion); PubMed 20301352 (cited by New York Genome Center); PubMed 33911213 (cited by New York Genome Center); PubMed 30143805 (cited by New York Genome Center and GeneReviews); PubMed 1732158 (cited by OMIM); PubMed 1900003 (cited by OMIM); PubMed 11854175 (cited by OMIM); PubMed 17620555 (cited by OMIM); NCBI Bookshelf NBK1173 (cited by GeneReviews).